The following is an entry in ClinVar:

ClinVar aggregate classification (germline): Conflicting classifications of pathogenicity. Review status: criteria provided, conflicting classifications (1 of 4 stars). 2 submissions from 1 submitter: Uncertain significance (1); Likely benign (1). Last evaluated 2018-01-13.

Conditions:
Dilated cardiomyopathy 1X (CMD1X). Also called: FKTN-Related Dilated Cardiomyopathy; CARDIOMYOPATHY, DILATED, WITH MILD OR NO PROXIMAL MUSCLE WEAKNESS. Identifiers: Orphanet 154, MedGen C1969024, MONDO:0012704, OMIM 611615.
Muscular dystrophy-dystroglycanopathy (congenital with brain and eye anomalies), type A, 4 (MDDGA4). Also called: WALKER-WARBURG SYNDROME OR MUSCLE-EYE-BRAIN DISEASE, FKTN-RELATED; Walker-Warburg Syndrome, Fktn-Related; Congenital muscular dystrophy-dystroglycanopathy with brain and eye anomalies, type A4; Muscular dystrophy, congenital progressive, with mental retardation; Muscular dystrophy, congenital, with central nervous system involvement; Cerebromuscular dystrophy, Fukuyama type. Identifiers: Orphanet 272, Orphanet 588, Orphanet 899, MedGen C0410174, MONDO:0009678, OMIM 253800.

Allele frequency attached by ClinVar (database versions not stated): gnomAD 0.00041 and 0.00062; TOPMed 0.00081; 1000 Genomes Project 0.00479; 1000 Genomes Project 30x 0.00500.
gnomAD v4.1: 205 of 985,366 alleles (0.021%); highest among the groups gnomAD compares: East Asian, 2%; 6 homozygotes.

Submissions (2):

Illumina Laboratory Services, Illumina
Classification: Uncertain significance for Dilated cardiomyopathy 1X. Last evaluated: 2018-01-13. Review status: criteria provided, single submitter. Criteria: ICSL Variant Classification Criteria 13 December 2019. Collection method: clinical testing. Allele origin: germline.

Illumina Laboratory Services, Illumina
Classification: Likely benign for Muscular dystrophy-dystroglycanopathy (congenital with brain and eye anomalies), type A, 4. Last evaluated: 2018-01-13. Review status: criteria provided, single submitter. Criteria: ICSL Variant Classification Criteria 13 December 2019. Collection method: clinical testing. Allele origin: germline.
Comment: This variant was observed in the ICSL laboratory as part of a predisposition screen in an ostensibly healthy population. It had not been previously curated by ICSL or reported in the Human Gene Mutation Database (HGMD: prior to June 1st, 2018), and was therefore a candidate for classification through an automated scoring system. Utilizing variant allele frequency, disease prevalence and penetrance estimates, and inheritance mode, an automated score was calculated to assess if this variant is too frequent to cause the disease. Based on the score and internal cut-off values, a variant classified as likely benign is not then subjected to further curation. The score for this variant resulted in a classification of likely benign for this disease.

NM_001079802.2(FKTN):c.*2910C>A

Gene: FKTN (fukutin; plus strand). Cytogenetic location: 9q31.2.
Variant type: single nucleotide variant.
Coding change: c.*2910C>A on transcript NM_001079802.2 (MANE Select); 2910 bases downstream of the stop codon, C replaced by A.
Molecular consequence: 3 prime UTR variant. On other transcripts: non-coding transcript variant (2), intron variant (1).
Genome position (GRCh38, 1-based): chr9:105,638,174, C>A. VCF-style: chr9-105638174-C-A. GRCh37 (hg19) VCF-style: chr9-108400455-C-A.
Other names: c.*2910C>A (NM_001351496.2, NM_001351497.2, NM_001351499.2 and 4 more transcripts); c.*3088C>A (NM_001351498.2); c.1271-1927C>A (NM_001198963.2).
Identifiers: ClinVar variation 364510 (VCV000364510.5), dbSNP rs148937517, ClinGen allele CA10628723.